The following is an entry in ClinVar:

NM_000038.6(APC):c.1123G>T (p.Gly375Cys)

Gene: APC (APC regulator of Wnt signaling pathway; plus strand). Cytogenetic location: 5q22.2.
Variant type: single nucleotide variant.
Coding change: c.1123G>T on transcript NM_000038.6 (MANE Select); coding-DNA position 1123, G replaced by T.
Protein change: p.Gly375Cys; replaces glycine 375 with cysteine.
Molecular consequence: missense variant. On other transcripts: intron variant (4).
Genome position (GRCh38, 1-based): chr5:112,819,155, G>T. VCF-style: chr5-112819155-G-T. GRCh37 (hg19) VCF-style: chr5-112154852-G-T.
Other names: c.1123G>T, p.Gly375Cys (NM_001127510.3, NM_001354895.2, NM_001354896.2 and 4 more transcripts); c.1069G>T, p.Gly357Cys (NM_001127511.3); c.1153G>T, p.Gly385Cys (NM_001354897.2, NM_001407446.1); c.1048G>T, p.Gly350Cys (NM_001354898.2, NM_001407451.1); c.1039G>T, p.Gly347Cys (NM_001354899.2, NM_001407452.1); c.946G>T, p.Gly316Cys (NM_001354900.2, NM_001354901.2, NM_001407453.1); c.274G>T, p.Gly92Cys (NM_001354906.2, NM_001407470.1); c.964-114G>T (NM_001354902.2); and 3 more; short protein forms G316C, G357C, G92C, G375C, G347C, G350C, G385C.
Identifiers: ClinVar variation 1798505 (VCV001798505.6), dbSNP rs532476931, ClinGen allele CA026764.

ClinVar aggregate classification (germline): Uncertain significance. Review status: criteria provided, multiple submitters, no conflicts (2 of 4 stars). 2 submissions from 2 submitters: Uncertain significance (2). Last evaluated 2024-05-09.

Conditions:
Hereditary cancer-predisposing syndrome. Also called: Neoplastic Syndromes, Hereditary; Tumor predisposition; Hereditary Cancer Syndrome; Hereditary neoplastic syndrome. Identifiers: Orphanet 140162, MedGen C0027672, MeSH D009386, MONDO:0015356.
Familial adenomatous polyposis 1 (FAP1). Also called: POLYPOSIS, ADENOMATOUS INTESTINAL; FAMILIAL ADENOMATOUS POLYPOSIS 1, ATTENUATED. Identifiers: MedGen C2713442, MONDO:0021056, OMIM 175100. Disease mechanism: loss of function.

Allele frequency attached by ClinVar (database versions not stated): ExAC 0.00001; gnomAD 0.00001; 1000 Genomes Project 0.00020; 1000 Genomes Project 30x 0.00031.
gnomAD v4.1: 1 of 1,614,016 alleles (0.000062%); highest among the groups gnomAD compares: Admixed American, 0.0017%; no homozygotes.

Submissions (2):

Ambry Genetics
Classification: Uncertain significance for Hereditary cancer-predisposing syndrome. Last evaluated: 2024-05-09. Review status: criteria provided, single submitter. Criteria: Ambry Variant Classification Scheme 2023. Collection method: clinical testing. Allele origin: germline.
Comment: The p.G375C variant (also known as c.1123G>T), located in coding exon 9 of the APC gene, results from a G to T substitution at nucleotide position 1123. The glycine at codon 375 is replaced by cysteine, an amino acid with highly dissimilar properties. This amino acid position is highly conserved in available vertebrate species. In addition, in silico predictors for this gene do not accurately predict pathogenicity. Missense alterations in APC are not a common cause of disease (Spier I et al. Genet Med. 2024 Feb;26(2):100992). Based on the available evidence, the clinical significance of this variant remains unclear.

Labcorp Genetics (formerly Invitae), Labcorp
Classification: Uncertain significance for Familial adenomatous polyposis 1. Last evaluated: 2023-03-26. Review status: criteria provided, single submitter. Criteria: Invitae Variant Classification Sherloc (09022015). Collection method: clinical testing. Allele origin: germline.
Comment: In summary, the available evidence is currently insufficient to determine the role of this variant in disease. Therefore, it has been classified as a Variant of Uncertain Significance. Advanced modeling of protein sequence and biophysical properties (such as structural, functional, and spatial information, amino acid conservation, physicochemical variation, residue mobility, and thermodynamic stability) has been performed at Invitae for this missense variant, however the output from this modeling did not meet the statistical confidence thresholds required to predict the impact of this variant on APC protein function. ClinVar contains an entry for this variant (Variation ID: 1798505). This variant has not been reported in the literature in individuals affected with APC-related conditions. This variant is not present in population databases (gnomAD no frequency). This sequence change replaces glycine, which is neutral and non-polar, with cysteine, which is neutral and slightly polar, at codon 375 of the APC protein (p.Gly375Cys).